The following is an entry in ClinVar:

ClinVar aggregate classification (germline): Pathogenic (1 of 4 stars; one submission).

Conditions:
Hereditary cancer-predisposing syndrome. Also called: Hereditary Cancer Syndrome; Tumor predisposition; Neoplastic Syndromes, Hereditary; Hereditary neoplastic syndrome. Identifiers: Orphanet 140162, MedGen C0027672, MeSH D009386, MONDO:0015356.

Submission:

Ambry Genetics
Classification: Pathogenic for Hereditary cancer-predisposing syndrome. Last evaluated: 2026-01-09. Review status: criteria provided, single submitter. Criteria: Ambry Variant Classification Scheme 2023. Collection method: clinical testing. Allele origin: germline.
Comment: The p.Q1166* pathogenic mutation (also known as c.3496C>T), located in coding exon 24 of the SMARCA4 gene, results from a C to T substitution at nucleotide position 3496. This changes the amino acid from a glutamine to a stop codon within coding exon 24. This alteration is expected to result in loss of function by premature protein truncation or nonsense-mediated mRNA decay. This variant has been reported in tissue from small cell carcinomas of the ovary, hypercalcemic type (SCCOHT) (Witkowski L et al. Nat. Genet. 2014 May;46:438-43; Jelinic P et al. Nat. Genet. 2014 May;46:424-6). This variant is considered to be rare based on population cohorts in the Genome Aggregation Database (gnomAD). Loss-of-function variants in SMARCA4 are known to cause rhabdoid tumor predisposition syndrome including small cell carcinoma of the ovary-hypercalcemic type (SCCOHT); however, such associations with neurodevelopmental disorders are exceedingly rare (Kosho T et al. Am J Med Genet C Semin Med Genet. 2014 Sep;166C(3):262-75; Jelinic P et al. Nat Genet. 2014 May;46(5):424-6). Based on the supporting evidence, this alteration is pathogenic for rhabdoid tumor predisposition syndrome; however, the association of this alteration with Coffin-Siris syndrome is unlikely.

Literature cited by the submitters: PubMed 24658002; PubMed 24658004.

NM_003072.5(SMARCA4):c.3496C>T (p.Gln1166Ter)

Gene: SMARCA4 (SWI/SNF related BAF chromatin remodeling complex subunit ATPase 4; plus strand). Cytogenetic location: 19p13.2.
Variant type: single nucleotide variant.
Coding change: c.3496C>T on transcript NM_003072.5 (MANE Select); coding-DNA position 3496, C replaced by T.
Protein change: p.Gln1166Ter; replaces glutamine 1166 with a stop codon.
Molecular consequence: nonsense. On other transcripts: non-coding transcript variant (1).
Genome position (GRCh38, 1-based): chr19:11,030,843, C>T. VCF-style: chr19-11030843-C-T. GRCh37 (hg19) VCF-style: chr19-11141519-C-T.
Other names: c.3496C>T, p.Gln1166Ter (NM_001128844.3, NM_001128845.2, NM_001128846.2 and 4 more transcripts); short protein forms Q1166*.
Identifiers: ClinVar variation 823844 (VCV000823844.5), dbSNP rs1600365455, ClinGen allele CA404063176.
Genomic context (GRCh38, chr19:11,030,843, plus strand): 5'-GGCTCTGAGTACTTCATCTTCCTGCTCAGCACCCGGGCTGGGGGGCTCGGCCTGAACCTC[C>T]AGTCGGCAGACACTGTGATCATTTTTGACAGCGACTGGAATCCTCACCAGGTAAAAGCGG-3'